The following is an entry in ClinVar:

NM_001364905.1(LRBA):c.4486G>A (p.Gly1496Ser)

Gene: LRBA (LPS responsive beige-like anchor protein; minus strand). Cytogenetic location: 4q31.3.
Variant type: single nucleotide variant.
Coding change: c.4486G>A on transcript NM_001364905.1 (MANE Select); coding-DNA position 4486, G replaced by A.
Protein change: p.Gly1496Ser; replaces glycine 1496 with serine.
Molecular consequence: missense variant.
Genome position (GRCh38, 1-based): chr4:150,844,183, C>T on the plus strand (G>A on the coding strand, the complement: LRBA is on the minus strand). VCF-style: chr4-150844183-C-T. GRCh37 (hg19) VCF-style: chr4-151765335-C-T.
Other names: c.4486G>A, p.Gly1496Ser (NM_001199282.3, NM_001367550.1, NM_006726.5); short protein forms G1496S.
Identifiers: ClinVar variation 1063720 (VCV001063720.11), dbSNP rs765227496, ClinGen allele CA3102741.

ClinVar aggregate classification (germline): Uncertain significance. Review status: criteria provided, multiple submitters, no conflicts (2 of 4 stars). 4 submissions from 4 submitters: Uncertain significance (4). Last evaluated 2025-05-06.

Conditions:
Combined immunodeficiency due to LRBA deficiency. Also called: Common variable immunodeficiency 8, with autoimmunity. Identifiers: Orphanet 445018, MedGen C3553512, MONDO:0013863, OMIM 614700.
LRBA-related disorder. Also called: LRBA-related condition.
Inborn genetic diseases. Identifiers: MedGen C0950123, MeSH D030342.

Allele frequency attached by ClinVar (database versions not stated): gnomAD 0.00001.
gnomAD v4.1: 61 of 1,606,844 alleles (0.0038%); highest among the groups gnomAD compares: South Asian, 0.041%; no homozygotes.

Submissions (4):

Ambry Genetics
Classification: Uncertain significance for Inborn genetic diseases. Last evaluated: 2025-05-06. Review status: criteria provided, single submitter. Criteria: Ambry Variant Classification Scheme 2023. Collection method: clinical testing. Allele origin: germline.

Labcorp Genetics (formerly Invitae), Labcorp
Classification: Uncertain significance for Combined immunodeficiency due to LRBA deficiency. Last evaluated: 2025-04-14. Review status: criteria provided, single submitter. Criteria: Invitae Variant Classification Sherloc (09022015). Collection method: clinical testing. Allele origin: germline.
Comment: This sequence change replaces glycine, which is neutral and non-polar, with serine, which is neutral and polar, at codon 1496 of the LRBA protein (p.Gly1496Ser). This variant is present in population databases (rs765227496, gnomAD 0.03%). This variant has not been reported in the literature in individuals affected with LRBA-related conditions. ClinVar contains an entry for this variant (Variation ID: 1063720). Invitae Evidence Modeling of protein sequence and biophysical properties (such as structural, functional, and spatial information, amino acid conservation, physicochemical variation, residue mobility, and thermodynamic stability) indicates that this missense variant is not expected to disrupt LRBA protein function with a negative predictive value of 80%. In summary, the available evidence is currently insufficient to determine the role of this variant in disease. Therefore, it has been classified as a Variant of Uncertain Significance.

PreventionGenetics, part of Exact Sciences
Classification: Uncertain significance for LRBA-related condition. Last evaluated: 2025-01-15. Review status: criteria provided, single submitter. Criteria: ACMG Guidelines, 2015. Collection method: clinical testing. Allele origin: germline.
Comment: The LRBA c.4486G>A variant is predicted to result in the amino acid substitution p.Gly1496Ser. To our knowledge, this variant has not been reported in the literature. This variant is reported in 0.026% of alleles in individuals of South Asian descent in gnomAD. At this time, the clinical significance of this variant is uncertain due to the absence of conclusive functional and genetic evidence.

Revvity Omics, Revvity
Classification: Uncertain significance for Combined immunodeficiency due to LRBA deficiency. Last evaluated: 2019-03-01. Review status: criteria provided, single submitter. Criteria: ACMG Guidelines, 2015. Collection method: clinical testing. Allele origin: germline.